The following is an entry in ClinVar:

NM_001080517.3(SETD5):c.2254C>T (p.Pro752Ser)

Gene: SETD5 (SET domain containing 5; plus strand). Cytogenetic location: 3p25.3.
Variant type: single nucleotide variant.
Coding change: c.2254C>T on transcript NM_001080517.3 (MANE Select); coding-DNA position 2254, C replaced by T.
Protein change: p.Pro752Ser; replaces proline 752 with serine.
Molecular consequence: missense variant.
Genome position (GRCh38, 1-based): chr3:9,448,538, C>T. VCF-style: chr3-9448538-C-T. GRCh37 (hg19) VCF-style: chr3-9490222-C-T.
Other names: c.1960C>T, p.Pro654Ser (NM_001292043.2, NM_001349451.2); short protein forms P654S, P752S.
Identifiers: ClinVar variation 1707060 (VCV001707060.2), dbSNP rs2473001555, ClinGen allele CA351701527.

ClinVar aggregate classification (germline): Uncertain significance (1 of 4 stars; one submission).

Submission:

GeneDx
Classification: Uncertain significance. Last evaluated: 2022-03-21. Review status: criteria provided, single submitter. Criteria: GeneDx Variant Classification Process June 2021. Collection method: clinical testing. Allele origin: germline. Affected: yes.
Comment: Not observed at significant frequency in large population cohorts (gnomAD); In silico analysis supports that this missense variant has a deleterious effect on protein structure/function; Has not been previously published as pathogenic or benign to our knowledge